The following is an entry in ClinVar:

ClinVar aggregate classification (germline): Uncertain significance. Review status: criteria provided, multiple submitters, no conflicts (2 of 4 stars). 2 submissions from 2 submitters: Uncertain significance (2). Last evaluated 2025-06-22.

Conditions:
Familial thoracic aortic aneurysm and aortic dissection (TAAD). Also called: Thoracic aortic aneurysms and dissections. Identifiers: Orphanet 91387, MedGen C4707243, MONDO:0019625.
Congenital contractural arachnodactyly (CCA). Also called: BEALS SYNDROME; Arthrogryposis, distal, type 9; Beals-Hecht syndrome. Identifiers: Orphanet 115, MedGen C0220668, MONDO:0007363, OMIM 121050.

Allele frequency attached by ClinVar (database versions not stated): TOPMed below 0.00001; gnomAD 0.00001.
gnomAD v4.1: 3 of 1,614,010 alleles (0.00019%); highest among the groups gnomAD compares: Admixed American, 0.0017%; no homozygotes.

Submissions (2):

Labcorp Genetics (formerly Invitae), Labcorp
Classification: Uncertain significance for Congenital contractural arachnodactyly. Last evaluated: 2025-06-22. Review status: criteria provided, single submitter. Criteria: Invitae Variant Classification Sherloc (09022015). Collection method: clinical testing. Allele origin: germline.
Comment: This sequence change replaces alanine, which is neutral and non-polar, with serine, which is neutral and polar, at codon 404 of the FBN2 protein (p.Ala404Ser). This variant is not present in population databases (gnomAD no frequency). This variant has not been reported in the literature in individuals affected with FBN2-related conditions. ClinVar contains an entry for this variant (Variation ID: 1750367). Invitae Evidence Modeling of protein sequence and biophysical properties (such as structural, functional, and spatial information, amino acid conservation, physicochemical variation, residue mobility, and thermodynamic stability) indicates that this missense variant is not expected to disrupt FBN2 protein function with a negative predictive value of 80%. In summary, the available evidence is currently insufficient to determine the role of this variant in disease. Therefore, it has been classified as a Variant of Uncertain Significance.

Ambry Genetics
Classification: Uncertain significance for Familial thoracic aortic aneurysm and aortic dissection. Last evaluated: 2022-07-19. Review status: criteria provided, single submitter. Criteria: Ambry Variant Classification Scheme 2023. Collection method: clinical testing. Allele origin: germline.
Comment: The p.A404S variant (also known as c.1210G>T), located in coding exon 9 of the FBN2 gene, results from a G to T substitution at nucleotide position 1210. The alanine at codon 404 is replaced by serine, an amino acid with similar properties. This amino acid position is not well conserved in available vertebrate species. In addition, the in silico prediction for this alteration is inconclusive. Since supporting evidence is limited at this time, the clinical significance of this alteration remains unclear.

NM_001999.4(FBN2):c.1210G>T (p.Ala404Ser)

Gene: FBN2 (fibrillin 2; minus strand). Cytogenetic location: 5q23.3.
Variant type: single nucleotide variant.
Coding change: c.1210G>T on transcript NM_001999.4 (MANE Select); coding-DNA position 1210, G replaced by T.
Protein change: p.Ala404Ser; replaces alanine 404 with serine.
Molecular consequence: missense variant.
Genome position (GRCh38, 1-based): chr5:128,395,143, C>A on the plus strand (G>T on the coding strand, the complement: FBN2 is on the minus strand). VCF-style: chr5-128395143-C-A. GRCh37 (hg19) VCF-style: chr5-127730836-C-A.
Other names: short protein forms A404S.
Identifiers: ClinVar variation 1750367 (VCV001750367.3), dbSNP rs1325678396, ClinGen allele CA360750388.